The following is an entry in ClinVar:

NM_006648.4(WNK2):c.2695A>C (p.Ile899Leu)

Gene: WNK2 (WNK lysine deficient protein kinase 2; plus strand). Cytogenetic location: 9q22.31.
Variant type: single nucleotide variant.
Coding change: c.2695A>C on transcript NM_006648.4 (MANE Select); coding-DNA position 2695, A replaced by C.
Protein change: p.Ile899Leu; replaces isoleucine 899 with leucine.
Molecular consequence: missense variant.
Genome position (GRCh38, 1-based): chr9:93,259,243, A>C. VCF-style: chr9-93259243-A-C. GRCh37 (hg19) VCF-style: chr9-96021525-A-C.
Other names: c.2695A>C, p.Ile899Leu (NM_001282394.3); short protein forms I899L.
Identifiers: ClinVar variation 4842101 (VCV004842101.1).

ClinVar aggregate classification (germline): Uncertain significance (1 of 4 stars; one submission).

Submission:

Ambry Genetics
Classification: Uncertain significance. Last evaluated: 2025-12-23. Review status: criteria provided, single submitter. Criteria: Ambry Variant Classification Scheme 2023. Collection method: clinical testing. Allele origin: germline.
Comment: The p.I899L variant (also known as c.2695A>C), located in coding exon 11 of the WNK2 gene, results from an A to C substitution at nucleotide position 2695. The isoleucine at codon 899 is replaced by leucine, an amino acid with highly similar properties. This amino acid position is conserved. In addition, this alteration is predicted to be tolerated by in silico analysis. Based on the available evidence, the clinical significance of this variant remains unclear.